The following is an entry in ClinVar:

NM_005228.5(EGFR):c.889+3G>A

Gene: EGFR (epidermal growth factor receptor; plus strand). Cytogenetic location: 7p11.2.
Variant type: single nucleotide variant.
Coding change: c.889+3G>A on transcript NM_005228.5 (MANE Select); 3 bases into the intron after coding-DNA position 889, G replaced by A.
Molecular consequence: intron variant.
Genome position (GRCh38, 1-based): chr7:55,154,155, G>A. VCF-style: chr7-55154155-G-A. GRCh37 (hg19) VCF-style: chr7-55221848-G-A.
Other names: c.754+3G>A (NM_001346899.2, NM_001346897.2); c.89-1675G>A (NM_001346941.2); c.889+3G>A (NM_001346898.2, NM_201284.2, NM_201282.2 and 1 more transcripts); c.730+3G>A (NM_001346900.2).
Identifiers: ClinVar variation 836409 (VCV000836409.8), dbSNP rs759834645, ClinGen allele CA4265381.
Genomic context (GRCh38, chr7:55,154,155, plus strand): 5'-GATGTGAACCCCGAGGGCAAATACAGCTTTGGTGCCACCTGCGTGAAGAAGTGTCCCCGT[G>A]AGTCCTCCTCTGTGGGCCCTCTAACTGGTCAGGCATCCTTGTCCCGCTCTGTCTCCTGCT-3'

ClinVar aggregate classification (germline): Uncertain significance. Review status: criteria provided, multiple submitters, no conflicts (2 of 4 stars). 2 submissions from 2 submitters: Uncertain significance (2). Last evaluated 2025-10-16.

Conditions:
Hereditary cancer-predisposing syndrome. Also called: Hereditary neoplastic syndrome; Neoplastic Syndromes, Hereditary; Tumor predisposition; Hereditary Cancer Syndrome. Identifiers: Orphanet 140162, MedGen C0027672, MeSH D009386, MONDO:0015356.
EGFR-related lung cancer (EGFR). Identifiers: MedGen CN130014.

Allele frequency attached by ClinVar (database versions not stated): gnomAD 0.00001; gnomAD exomes 0.00001 and 0.00002; TOPMed 0.00002; ExAC 0.00003.
gnomAD v4.1: 13 of 1,614,228 alleles (0.00081%); highest among the groups gnomAD compares: Middle Eastern, 0.016%; no homozygotes.

Submissions (2):

Labcorp Genetics (formerly Invitae), Labcorp
Classification: Uncertain significance for EGFR-related lung cancer. Last evaluated: 2025-10-16. Review status: criteria provided, single submitter. Criteria: Invitae Variant Classification Sherloc (09022015). Collection method: clinical testing. Allele origin: germline.
Comment: This sequence change falls in intron 7 of the EGFR gene. It does not directly change the encoded amino acid sequence of the EGFR protein. It affects a nucleotide within the consensus splice site. This variant is present in population databases (rs759834645, gnomAD 0.005%). This variant has not been reported in the literature in individuals affected with EGFR-related conditions. ClinVar contains an entry for this variant (Variation ID: 836409). Variants that disrupt the consensus splice site are a relatively common cause of aberrant splicing (PMID: 17576681, 9536098). Algorithms developed to predict the effect of sequence changes on RNA splicing suggest that this variant is not likely to affect RNA splicing. In summary, the available evidence is currently insufficient to determine the role of this variant in disease. Therefore, it has been classified as a Variant of Uncertain Significance.

Ambry Genetics
Classification: Uncertain significance for Hereditary cancer-predisposing syndrome. Last evaluated: 2025-01-02. Review status: criteria provided, single submitter. Criteria: Ambry Variant Classification Scheme 2023. Collection method: clinical testing. Allele origin: germline.
Comment: The c.889+3G>A intronic variant results from a G to A substitution 3 nucleotides after coding exon 7 in the EGFR gene. This nucleotide position is not well conserved in available vertebrate species. In silico splice site analysis predicts that this alteration will not have any significant effect on splicing. Based on the available evidence, the clinical significance of this variant remains unclear.

Literature cited by the submitters: PubMed 17576681 (cited by Labcorp Genetics (formerly Invitae), Labcorp); PubMed 9536098 (cited by Labcorp Genetics (formerly Invitae), Labcorp).